The following is an entry in ClinVar:

NM_004168.4(SDHA):c.347A>G (p.Glu116Gly)

Gene: SDHA (succinate dehydrogenase complex flavoprotein subunit A; plus strand). Cytogenetic location: 5p15.33.
Variant type: single nucleotide variant.
Coding change: c.347A>G on transcript NM_004168.4 (MANE Select); coding-DNA position 347, A replaced by G.
Protein change: p.Glu116Gly; replaces glutamic acid 116 with glycine.
Molecular consequence: missense variant. On other transcripts: intron variant (1).
Genome position (GRCh38, 1-based): chr5:225,453, A>G. VCF-style: chr5-225453-A-G. GRCh37 (hg19) VCF-style: chr5-225568-A-G.
Other names: c.347A>G, p.Glu116Gly (NM_001330758.2); c.313-430A>G (NM_001294332.2); short protein forms E116G.
Identifiers: ClinVar variation 2954332 (VCV002954332.3), dbSNP rs2477294444, ClinGen allele CA359009252.

ClinVar aggregate classification (germline): Uncertain significance (1 of 4 stars; one submission).

Conditions:
Mitochondrial complex II deficiency, nuclear type 1. Also called: SUCCINATE CoQ REDUCTASE DEFICIENCY. Identifiers: Orphanet 3208, MedGen C5700310, MONDO:0100294, OMIM 252011.
Pheochromocytoma/paraganglioma syndrome 5. Also called: Paragangliomas 5; SDHA-Related Hereditary Paraganglioma-Pheochromocytoma Syndrome. Identifiers: Orphanet 29072, MedGen C3279992, MONDO:0013602, OMIM 614165.

Allele frequency attached by ClinVar (database versions not stated): gnomAD exomes below 0.00001.
gnomAD v4.1: 1 of 1,613,016 alleles (0.000062%); highest among the groups gnomAD compares: Non-Finnish European, 0.000085%; no homozygotes.

Submission:

Labcorp Genetics (formerly Invitae), Labcorp
Classification: Uncertain significance for Pheochromocytoma/paraganglioma syndrome 5; Mitochondrial complex II deficiency, nuclear type 1. Last evaluated: 2023-12-01. Review status: criteria provided, single submitter. Criteria: Invitae Variant Classification Sherloc (09022015). Collection method: clinical testing. Allele origin: germline.
Comment: This sequence change replaces glutamic acid, which is acidic and polar, with glycine, which is neutral and non-polar, at codon 116 of the SDHA protein (p.Glu116Gly). This variant is not present in population databases (gnomAD no frequency). This variant has not been reported in the literature in individuals affected with SDHA-related conditions. Advanced modeling of protein sequence and biophysical properties (such as structural, functional, and spatial information, amino acid conservation, physicochemical variation, residue mobility, and thermodynamic stability) performed at Invitae indicates that this missense variant is not expected to disrupt SDHA protein function with a negative predictive value of 95%. In summary, the available evidence is currently insufficient to determine the role of this variant in disease. Therefore, it has been classified as a Variant of Uncertain Significance.